The following is an entry in ClinVar:

ClinVar aggregate classification (germline): Uncertain significance (1 of 4 stars; one submission).

gnomAD v4.1: 22 of 1,613,716 alleles (0.0014%); highest among the groups gnomAD compares: East Asian, 0.025%; no homozygotes.

Submission:

Labcorp Genetics (formerly Invitae), Labcorp
Classification: Uncertain significance. Last evaluated: 2025-01-02. Review status: criteria provided, single submitter. Criteria: Invitae Variant Classification Sherloc (09022015). Collection method: clinical testing. Allele origin: germline.
Comment: This sequence change replaces valine, which is neutral and non-polar, with methionine, which is neutral and non-polar, at codon 1169 of the NYNRIN protein (p.Val1169Met). This variant is present in population databases (rs774816011, gnomAD 0.06%). This variant has not been reported in the literature in individuals affected with NYNRIN-related conditions. In summary, the available evidence is currently insufficient to determine the role of this variant in disease. Therefore, it has been classified as a Variant of Uncertain Significance.

NM_025081.3(NYNRIN):c.3505G>A (p.Val1169Met)

Gene: NYNRIN (NYN domain and retroviral integrase containing; plus strand). Cytogenetic location: 14q12.
Variant type: single nucleotide variant.
Coding change: c.3505G>A on transcript NM_025081.3 (MANE Select); coding-DNA position 3505, G replaced by A.
Protein change: p.Val1169Met; replaces valine 1169 with methionine.
Molecular consequence: missense variant.
Genome position (GRCh38, 1-based): chr14:24,415,254, G>A. VCF-style: chr14-24415254-G-A. GRCh37 (hg19) VCF-style: chr14-24884460-G-A.
Other names: short protein forms V1169M.
Identifiers: ClinVar variation 3716088 (VCV003716088.2).
Genomic context (GRCh38, chr14:24,415,254, plus strand): 5'-CTCTGCCTGATGGCCCCCAACTCCCAGCTGCCCTTCCGCCTGGAGGTGACCGTGAGCCAC[G>A]TGGCCCTGACGGCCATCCTCCATCAGGAGCACTCAGGGAGGAAGCACCCCATAGCCTATA-3'
Protein context (NP_079357.2, residues 1159-1179): PFRLEVTVSH[Val1169Met]ALTAILHQEH